The following is an entry in ClinVar:

NC_000003.11:g.(81643175_81691931)_(81720105_81754594)del

Gene: GBE1 (1,4-alpha-glucan branching enzyme 1; minus strand). Cytogenetic location: 3p12.2.
Variant type: Deletion.
Identifiers: ClinVar variation 3768837 (VCV003768837.1).

ClinVar aggregate classification (germline): Pathogenic (1 of 4 stars; one submission).

Conditions:
Glycogen storage disease, type IV (GSD4). Also called: AMYLOPECTINOSIS; ANDERSEN DISEASE; BRANCHER DEFICIENCY; Glycogen storage disease due to glycogen branching enzyme deficiency; CIRRHOSIS, FAMILIAL, WITH DEPOSITION OF ABNORMAL GLYCOGEN; GBE1 DEFICIENCY. Identifiers: Orphanet 367, MedGen C0017923, MONDO:0009292, OMIM 232500.

Submission:

Women's Health and Genetics/Laboratory Corporation of America, LabCorp
Classification: Pathogenic for Glycogen storage disease, type IV. Last evaluated: 2025-02-25. Review status: criteria provided, single submitter. Criteria: LabCorp Variant Classification Summary - May 2015. Collection method: clinical testing. Allele origin: germline.
Comment: Variant summary: The variant involves the deletion of exons 3-7 in the GBE1 gene. A presumed nomenclature of c.(313+1_314-1)_(992+1_993-1)del has been designated for the purposes of this classification. This Copy Number Variant (CNV) is expected to alter the reading frame and predicted to result in a truncation or absence of the encoded protein due to nonsense mediated decay (NMD). Similar copy number loss variants were absent from 21694 chromosomes in gnomAD SV 2.1 database. A similar copy number loss has been reported in the compound heterozygous state in the literature in at least 1 individual affected with adult onset polyglucosan body disease (example, Chen_2023). To our knowledge, no experimental evidence demonstrating an impact on protein function has been reported. The following publication has been ascertained in the context of this evaluation (PMID: 38764721). ClinVar contains an entry for this variant (Variation ID: 832400). Based on the evidence outlined above, the variant was classified as pathogenic.

Literature cited by the submitters: PubMed 38764721.